The following is an entry in ClinVar:

ClinVar aggregate classification (germline): Conflicting classifications of pathogenicity. Review status: criteria provided, conflicting classifications (1 of 4 stars). 13 submissions from 13 submitters: Uncertain significance (10); Likely benign (2). 1 of the submissions does not count toward it. Last evaluated 2026-09-24.

Conditions:
BRCA2-related cancer predisposition. Identifiers: MedGen CN377758, MONDO:0700269.
BRCA2-related disorder. Also called: BRCA2-related condition; BRCA2-related disorders. Identifiers: MedGen CN239275.
Hereditary cancer-predisposing syndrome. Also called: Hereditary Cancer Syndrome; Neoplastic Syndromes, Hereditary; Hereditary neoplastic syndrome; Tumor predisposition. Identifiers: Orphanet 140162, MedGen C0027672, MeSH D009386, MONDO:0015356.
Hereditary breast ovarian cancer syndrome. Also called: Hereditary breast and ovarian cancer syndrome; Breast and ovarian cancer; BRCA1- and BRCA2-Associated Hereditary Breast and Ovarian Cancer; Hereditary breast and/or ovarian cancer syndrome; Hereditary breast and ovarian cancer; Hereditary breast and ovarian cancer syndrome (HBOC). Identifiers: Orphanet 145, MedGen C0677776, MeSH D061325, MONDO:0003582. Disease mechanism: loss of function.
Breast-ovarian cancer, familial, susceptibility to, 2 (BROVCA2). Also called: BRCA2 Hereditary Breast and Ovarian Cancer. Identifiers: Orphanet 145, MedGen C2675520, MONDO:0012933, OMIM 612555. Disease mechanism: loss of function.
Familial cancer of breast. Also called: hereditary breast carcinoma; BREAST CANCER, FAMILIAL; Hereditary breast cancer. Identifiers: Orphanet 227535, MedGen C0346153, MONDO:0016419, OMIM 114480. Disease mechanism: loss of function.

Allele frequency attached by ClinVar (database versions not stated): gnomAD exomes below 0.00001 and 0.00001; gnomAD 0.00001; TOPMed 0.00002.
gnomAD v4.1: 9 of 1,612,614 alleles (0.00056%); highest among the groups gnomAD compares: Middle Eastern, 0.016%; no homozygotes.

Submissions (13):

PreventionGenetics, part of Exact Sciences
Classification: Uncertain significance for BRCA2-related condition. Last evaluated: 2026-09-24. Review status: criteria provided, single submitter. Criteria: ACMG Guidelines, 2015. Collection method: clinical testing. Allele origin: germline.
Comment: The BRCA2 c.7633G>A variant is predicted to result in the amino acid substitution p.Val2545Ile. This variant has been reported in at least one individual with a history of hereditary breast and/or ovarian cancer (Table 2, Menéndez et al. 2012. PubMed ID: 21735045) and an individual undergoing diagnostic testing for hereditary cancer risk (de Oliveira et al. 2022. PubMed ID: 35534704). A likelihood ratio analysis classified this variant’s impact on BRCA2 protein function as uncertain (Table S1, Karchin et al. 2008. PubMed ID: 19043619). It is reported in 0.0040% of alleles in individuals of African descent in gnomAD and has conflicting interpretations in ClinVar ranging from likely benign to uncertain (Variation ID: 52374). At this time, the clinical significance of this variant is uncertain due to the absence of conclusive functional and genetic evidence.

Labcorp Genetics (formerly Invitae), Labcorp
Classification: Uncertain significance for Hereditary breast ovarian cancer syndrome. Last evaluated: 2025-11-03. Review status: criteria provided, single submitter. Criteria: Invitae Variant Classification Sherloc (09022015). Collection method: clinical testing. Allele origin: germline.
Comment: This sequence change replaces valine, which is neutral and non-polar, with isoleucine, which is neutral and non-polar, at codon 2545 of the BRCA2 protein (p.Val2545Ile). This variant is present in population databases (rs80358990, gnomAD 0.004%). This missense change has been observed in individual(s) with hereditary breast and/or ovarian cancer (HBOC) (PMID: 19043619, 21735045, 35534704). ClinVar contains an entry for this variant (Variation ID: 52374). Invitae Evidence Modeling of protein sequence and biophysical properties (such as structural, functional, and spatial information, amino acid conservation, physicochemical variation, residue mobility, and thermodynamic stability) indicates that this missense variant is not expected to disrupt BRCA2 protein function with a negative predictive value of 95%. In summary, the available evidence is currently insufficient to determine the role of this variant in disease. Therefore, it has been classified as a Variant of Uncertain Significance.

Ambry Genetics
Classification: Likely benign for Hereditary cancer-predisposing syndrome. Last evaluated: 2025-04-29. Review status: criteria provided, single submitter. Criteria: Ambry Variant Classification Scheme 2023. Collection method: clinical testing. Allele origin: germline.

All of Us Research Program, National Institutes of Health
Classification: Uncertain significance for BRCA2-related cancer predisposition. Last evaluated: 2024-06-09. Review status: criteria provided, single submitter. Criteria: ACMG Guidelines, 2015. Collection method: clinical testing. Allele origin: germline. Inheritance: Autosomal dominant inheritance. Observed: 1 variant allele, 1 heterozygote.
Comment: This missense variant replaces valine with isoleucine at codon 2545 of the BRCA2 protein. Computational prediction suggests that this variant may not impact protein structure and function. To our knowledge, functional studies have not been reported for this variant. This variant has been reported in a suspected hereditary breast and ovarian cancer family (PMID: 21735045) and in a multifactorial analysis with tumor pathology, co-occurrence and family history likelihood ratios for pathogenicity of 0.33, 1.050 and 0.397, respectively (PMID: 31131967). This variant has been identified in 2/282264 chromosomes in the general population by the Genome Aggregation Database (gnomAD). The available evidence is insufficient to determine the role of this variant in disease conclusively. Therefore, this variant is classified as a Variant of Uncertain Significance.

This study involves interpretation of variants in research participants for the purpose of population health screening. Participant phenotype was not available at the time of variant classification. Additional details can be found in publication PMID: 35346344, PMCID: PMC8962531

Color Diagnostics, LLC DBA Color Health
Classification: Uncertain significance for Hereditary cancer-predisposing syndrome. Last evaluated: 2024-05-16. Review status: criteria provided, single submitter. Criteria: ACMG Guidelines, 2015. Collection method: clinical testing. Allele origin: germline.
Comment: This missense variant replaces valine with isoleucine at codon 2545 of the BRCA2 protein. Computational prediction suggests that this variant may not impact protein structure and function. To our knowledge, functional studies have not been reported for this variant. This variant has been reported in a suspected hereditary breast and ovarian cancer family (PMID: 21735045) and in a multifactorial analysis with tumor pathology, co-occurrence and family history likelihood ratios for pathogenicity of 0.33, 1.050 and 0.397, respectively (PMID: 31131967). This variant has been identified in 2/282264 chromosomes in the general population by the Genome Aggregation Database (gnomAD). The available evidence is insufficient to determine the role of this variant in disease conclusively. Therefore, this variant is classified as a Variant of Uncertain Significance.

MGZ Medical Genetics Center
Classification: Likely benign for Familial cancer of breast. Last evaluated: 2024-02-09. Review status: criteria provided, single submitter. Criteria: CSpec BRCA1/2ACMG Rules Specifications V1.1.0. Collection method: clinical testing. Allele origin: germline. Affected: yes.
Comment: ACMG codes applied following ENIGMA VCEP rules: BS2_SUP, BP5_MOD, BP4

Baylor Genetics
Classification: Uncertain significance for Familial cancer of breast. Last evaluated: 2024-01-17. Review status: criteria provided, single submitter. Criteria: ACMG Guidelines, 2015. Collection method: clinical testing. Allele origin: unknown.

Blueprint Genetics
Classification: Uncertain significance. Last evaluated: 2023-11-08. Review status: criteria provided, single submitter. Criteria: ACMG Guidelines, 2015. Collection method: clinical testing. Allele origin: germline.

Clinical Genetics Laboratory, Skane University Hospital Lund
Classification: Uncertain significance. Last evaluated: 2022-09-08. Review status: criteria provided, single submitter. Criteria: ACMG Guidelines, 2015. Collection method: clinical testing. Allele origin: germline. Affected: yes.

Mendelics
Classification: Uncertain significance for Breast-ovarian cancer, familial, susceptibility to, 2. Last evaluated: 2019-05-28. Review status: criteria provided, single submitter. Criteria: Mendelics Assertion Criteria 2017. Collection method: clinical testing. Allele origin: unknown.

GeneDx
Classification: Uncertain significance. Last evaluated: 2018-08-21. Review status: criteria provided, single submitter. Criteria: GeneDx Variant Classification (06012015). Collection method: clinical testing. Allele origin: germline. Affected: yes.
Comment: This variant is denoted BRCA2 c.7633G>A at the cDNA level, p.Val2545Ile (V2545I) at the protein level, and results in the change of a Valine to an Isoleucine (GTT>ATT). Using alternate nomenclature, this variant would be defined as BRCA2 7861G>A. This variant has not, to our knowledge, been published in the literature as a pathogenic or benign germline variant. BRCA2 Val2545Ile was not observed at a significant allele frequency in large population cohorts (Lek 2016). This variant is located in the DNA binding domain and the FANCD2 binding domain (Yang 2002). In silico analysis, which includes protein predictors and evolutionary conservation, supports that this variant does not alter protein structure/function. Based on currently available evidence, it is unclear whether BRCA2 Val2545Ile is a pathogenic or benign variant. We consider it to be a variant of uncertain significance.

Breakthrough Genomics
Classification: Uncertain significance. Review status: criteria provided, single submitter. Criteria: ACMG Guidelines, 2015. Collection method: not provided. Allele origin: germline. Inheritance: Autosomal recessive inheritance. Affected: yes.

Breast Cancer Information Core (BIC) (BRCA2)
Classification: Uncertain significance for Breast-ovarian cancer, familial 2. Last evaluated: 2002-05-29. Review status: no assertion criteria provided. Collection method: clinical testing. Allele origin: germline. Affected: yes. Observed: 3 variant alleles. Not counted in ClinVar's aggregate classification.

Literature cited by the submitters: PubMed 19043619 (cited by Labcorp Genetics (formerly Invitae), Labcorp); PubMed 21735045 (cited by 4 submitters); PubMed 35534704 (cited by Labcorp Genetics (formerly Invitae), Labcorp); PubMed 31131967 (cited by All of Us Research Program, National Institutes of Health and Color Diagnostics, LLC DBA Color Health).

NM_000059.4(BRCA2):c.7633G>A (p.Val2545Ile)

Gene: BRCA2 (BRCA2 DNA repair associated; plus strand). Cytogenetic location: 13q13.1.
Variant type: single nucleotide variant.
Coding change: c.7633G>A on transcript NM_000059.4 (MANE Select); coding-DNA position 7633, G replaced by A.
Protein change: p.Val2545Ile; replaces valine 2545 with isoleucine.
Molecular consequence: missense variant.
Genome position (GRCh38, 1-based): chr13:32,357,757, G>A. VCF-style: chr13-32357757-G-A. GRCh37 (hg19) VCF-style: chr13-32931894-G-A.
Other names: p.V2545I:GTT>ATT; short protein forms V2545I.
Identifiers: ClinVar variation 52374 (VCV000052374.32), dbSNP rs80358990, ClinGen allele CA025202.